The following is an entry in ClinVar:

ClinVar aggregate classification (germline): Conflicting classifications of pathogenicity. Review status: criteria provided, conflicting classifications (1 of 4 stars). 3 submissions from 3 submitters: Uncertain significance (1); Benign (1). 1 of the submissions does not count toward it. Last evaluated 2025-12-06.

Conditions:
FRAS1-related disorder. Also called: FRAS1-related condition.
Fraser syndrome 1 (FRASRS1). Also called: CRYPTOPHTHALMOS WITH OTHER MALFORMATIONS. Identifiers: Orphanet 2052, MedGen C4551480, MONDO:0054737, OMIM 219000.

Allele frequency attached by ClinVar (database versions not stated): gnomAD 0.00003 and 0.00004; gnomAD exomes 0.00005 and 0.00010; TOPMed 0.00005; ExAC 0.00006; ESP Exome Variant Server 0.00008.
gnomAD v4.1: 88 of 1,613,458 alleles (0.0055%); highest among the groups gnomAD compares: Non-Finnish European, 0.0014%; 1 homozygote.

Submissions (3):

Labcorp Genetics (formerly Invitae), Labcorp
Classification: Benign. Last evaluated: 2025-12-06. Review status: criteria provided, single submitter. Criteria: Invitae Variant Classification Sherloc (09022015). Collection method: clinical testing. Allele origin: germline.

Illumina Laboratory Services, Illumina
Classification: Uncertain significance for Fraser syndrome 1. Last evaluated: 2018-01-12. Review status: criteria provided, single submitter. Criteria: ICSL Variant Classification Criteria 13 December 2019. Collection method: clinical testing. Allele origin: germline.

PreventionGenetics, part of Exact Sciences
Classification: Likely benign for FRAS1-related condition. Last evaluated: 2023-07-21. Review status: no assertion criteria provided. Collection method: clinical testing. Allele origin: germline. Not counted in ClinVar's aggregate classification.
Comment: This variant is classified as likely benign based on ACMG/AMP sequence variant interpretation guidelines (Richards et al. 2015 PMID: 25741868, with internal and published modifications).

NM_025074.7(FRAS1):c.5218-9C>T

Gene: FRAS1 (Fraser extracellular matrix complex subunit 1; plus strand). Cytogenetic location: 4q21.21.
Variant type: single nucleotide variant.
Coding change: c.5218-9C>T on transcript NM_025074.7 (MANE Select); 9 bases into the intron before coding-DNA position 5218, C replaced by T.
Molecular consequence: intron variant.
Genome position (GRCh38, 1-based): chr4:78,438,561, C>T. VCF-style: chr4-78438561-C-T. GRCh37 (hg19) VCF-style: chr4-79359715-C-T.
Other names: c.5218-9C>T (NM_001166133.2).
Identifiers: ClinVar variation 349724 (VCV000349724.10), dbSNP rs369761349, ClinGen allele CA2977466.